The following is an entry in ClinVar:

ClinVar aggregate classification (germline): Uncertain significance (1 of 4 stars; one submission).

Conditions:
Cardiovascular phenotype. Identifiers: MedGen CN230736.

Submission:

Ambry Genetics
Classification: Uncertain significance for Cardiovascular phenotype. Last evaluated: 2026-06-14. Review status: criteria provided, single submitter. Criteria: Ambry Variant Classification Scheme 2023. Collection method: clinical testing. Allele origin: germline.
Comment: The p.F190L variant (also known as c.568T>C), located in coding exon 7 of the TMEM43 gene, results from a T to C substitution at nucleotide position 568. The phenylalanine at codon 190 is replaced by leucine, an amino acid with highly similar properties. This amino acid position is conserved. In addition, the in silico prediction for this alteration is inconclusive. Based on the available evidence, the clinical significance of this variant remains unclear.

NM_024334.3(TMEM43):c.568T>C (p.Phe190Leu)

Gene: TMEM43 (transmembrane protein 43; plus strand). Cytogenetic location: 3p25.1.
Variant type: single nucleotide variant.
Coding change: c.568T>C on transcript NM_024334.3 (MANE Select); coding-DNA position 568, T replaced by C.
Protein change: p.Phe190Leu; replaces phenylalanine 190 with leucine.
Molecular consequence: missense variant.
Genome position (GRCh38, 1-based): chr3:14,133,794, T>C. VCF-style: chr3-14133794-T-C. GRCh37 (hg19) VCF-style: chr3-14175294-T-C.
Other names: c.568T>C, p.Phe190Leu (NM_001407279.1, NM_001407275.1, NM_001407276.1 and 1 more transcripts); c.418T>C, p.Phe140Leu (NM_001407280.1); c.571T>C, p.Phe191Leu (NM_001407274.1); c.553T>C, p.Phe185Leu (NM_001407278.1); short protein forms F140L, F185L, F190L, F191L.
Identifiers: ClinVar variation 4865752 (VCV004865752.1).